The following is an entry in ClinVar:

NM_053025.4(MYLK):c.1951C>T (p.Pro651Ser)

Gene: MYLK (myosin light chain kinase; minus strand). Cytogenetic location: 3q21.1.
Variant type: single nucleotide variant.
Coding change: c.1951C>T on transcript NM_053025.4 (MANE Select); coding-DNA position 1951, C replaced by T.
Protein change: p.Pro651Ser; replaces proline 651 with serine.
Molecular consequence: missense variant.
Genome position (GRCh38, 1-based): chr3:123,708,887, G>A on the plus strand (C>T on the coding strand, the complement: MYLK is on the minus strand). VCF-style: chr3-123708887-G-A. GRCh37 (hg19) VCF-style: chr3-123427734-G-A.
Other names: c.1423C>T, p.Pro475Ser (NM_001321309.2); c.1744C>T, p.Pro582Ser (NM_053026.4, NM_053028.4); c.1951C>T, p.Pro651Ser (NM_053027.4); short protein forms P582S, P651S, P475S.
Identifiers: ClinVar variation 3702582 (VCV003702582.2).

ClinVar aggregate classification (germline): Uncertain significance (1 of 4 stars; one submission).

Conditions:
Aortic aneurysm, familial thoracic 7 (AAT7). Also called: AORTIC DISSECTION, FAMILIAL, WITH OR WITHOUT AORTIC ANEURYSM. Identifiers: MedGen C3151077, MONDO:0013418, OMIM 613780.

gnomAD v4.1: 7 of 1,613,874 alleles (0.00043%); highest among the groups gnomAD compares: Admixed American, 0.0017%; no homozygotes.

Submission:

Labcorp Genetics (formerly Invitae), Labcorp
Classification: Uncertain significance for Aortic aneurysm, familial thoracic 7. Last evaluated: 2024-04-25. Review status: criteria provided, single submitter. Criteria: Invitae Variant Classification Sherloc (09022015). Collection method: clinical testing. Allele origin: germline.
Comment: This sequence change replaces proline, which is neutral and non-polar, with serine, which is neutral and polar, at codon 651 of the MYLK protein (p.Pro651Ser). This variant is present in population databases (no rsID available, gnomAD 0.01%). This variant has not been reported in the literature in individuals affected with MYLK-related conditions. Advanced modeling of protein sequence and biophysical properties (such as structural, functional, and spatial information, amino acid conservation, physicochemical variation, residue mobility, and thermodynamic stability) performed at Invitae indicates that this missense variant is not expected to disrupt MYLK protein function with a negative predictive value of 80%. In summary, the available evidence is currently insufficient to determine the role of this variant in disease. Therefore, it has been classified as a Variant of Uncertain Significance.